The following is an entry in ClinVar:

ClinVar aggregate classification (germline): Uncertain significance (1 of 4 stars; one submission).

Submission:

Ambry Genetics
Classification: Uncertain significance. Last evaluated: 2026-06-09. Review status: criteria provided, single submitter. Criteria: Ambry Variant Classification Scheme 2023. Collection method: clinical testing. Allele origin: germline.
Comment: The p.H435Q variant (also known as c.1305C>A), located in coding exon 1 of the TET2 gene, results from a C to A substitution at nucleotide position 1305. The histidine at codon 435 is replaced by glutamine, an amino acid with highly similar properties. This amino acid position is conserved. In addition, this alteration is predicted to be tolerated by in silico analysis. Based on the available evidence, the clinical significance of this variant remains unclear.

NM_001127208.3(TET2):c.1305C>A (p.His435Gln)

Genes: TET2 (tet methylcytosine dioxygenase 2; plus strand), TET2-AS1 (TET2 antisense RNA 1; minus strand). Cytogenetic location: 4q24.
Variant type: single nucleotide variant.
Coding change: c.1305C>A on transcript NM_001127208.3 (MANE Select); coding-DNA position 1305, C replaced by A.
Protein change: p.His435Gln; replaces histidine 435 with glutamine.
Molecular consequence: missense variant.
Genome position (GRCh38, 1-based): chr4:105,235,247, C>A. VCF-style: chr4-105235247-C-A. GRCh37 (hg19) VCF-style: chr4-106156404-C-A.
Other names: c.1305C>A, p.His435Gln (NM_017628.4); short protein forms H435Q.
Identifiers: ClinVar variation 4865612 (VCV004865612.1).
Genomic context (GRCh38, chr4:105,235,247, plus strand): 5'-TCCTCAGCTTCCTTCAGAAGGAAAAAGCACTCTGAATGGTGGAGTTTTAGAAGAACACCA[C>A]CACTACCCCAACCAAAGTAACACAACACTTTTAAGGGAAGTGAAAATAGAGGGTAAACCT-3'
Protein context (NP_001120680.1, residues 425-445): TLNGGVLEEH[His435Gln]HYPNQSNTTL